The following is an entry in ClinVar:

ClinVar aggregate classification (germline): Uncertain significance (1 of 4 stars; one submission).

Conditions:
Rhabdoid tumor predisposition syndrome 2 (RTPS2). Identifiers: Orphanet 231108, Orphanet 69077, MedGen C2750074, MONDO:0013224, OMIM 613325.

Submission:

Labcorp Genetics (formerly Invitae), Labcorp
Classification: Uncertain significance for Rhabdoid tumor predisposition syndrome 2. Last evaluated: 2024-07-11. Review status: criteria provided, single submitter. Criteria: Invitae Variant Classification Sherloc (09022015). Collection method: clinical testing. Allele origin: germline.
Comment: This sequence change replaces phenylalanine, which is neutral and non-polar, with leucine, which is neutral and non-polar, at codon 822 of the SMARCA4 protein (p.Phe822Leu). This variant is not present in population databases (gnomAD no frequency). This variant has not been reported in the literature in individuals affected with SMARCA4-related conditions. Advanced modeling of protein sequence and biophysical properties (such as structural, functional, and spatial information, amino acid conservation, physicochemical variation, residue mobility, and thermodynamic stability) has been performed at Invitae for this missense variant, however the output from this modeling did not meet the statistical confidence thresholds required to predict the impact of this variant on SMARCA4 protein function. In summary, the available evidence is currently insufficient to determine the role of this variant in disease. Therefore, it has been classified as a Variant of Uncertain Significance.

NM_003072.5(SMARCA4):c.2464T>C (p.Phe822Leu)

Gene: SMARCA4 (SWI/SNF related BAF chromatin remodeling complex subunit ATPase 4; plus strand). Cytogenetic location: 19p13.2.
Variant type: single nucleotide variant.
Coding change: c.2464T>C on transcript NM_003072.5 (MANE Select); coding-DNA position 2464, T replaced by C.
Protein change: p.Phe822Leu; replaces phenylalanine 822 with leucine.
Molecular consequence: missense variant. On other transcripts: non-coding transcript variant (1).
Genome position (GRCh38, 1-based): chr19:11,018,982, T>C. VCF-style: chr19-11018982-T-C. GRCh37 (hg19) VCF-style: chr19-11129658-T-C.
Other names: c.2464T>C, p.Phe822Leu (NM_001128844.3, NM_001128845.2, NM_001128846.2 and 6 more transcripts); short protein forms F822L.
Identifiers: ClinVar variation 3636867 (VCV003636867.2).
Genomic context (GRCh38, chr19:11,018,982, plus strand): 5'-ACCGGCACTTGACTCTCATTTCCTTGTTCCATCAGAACGCTGTCCAACTGGGCGTACGAG[T>C]TTGACAAGTGGGCCCCCTCCGTGGTGAAGGTGTCTTACAAGGTAGGTCACAGCCACTGAG-3'
Protein context (NP_003063.2, residues 812-832): LSTLSNWAYE[Phe822Leu]DKWAPSVVKV